The following is an entry in ClinVar:

ClinVar aggregate classification (germline): no classifications from unflagged records (0 of 4 stars; one submission).

Conditions:
Nestor-Guillermo progeria syndrome (NGPS). Also called: PROGERIA SYNDROME, CHILDHOOD-ONSET, WITH OSTEOLYSIS. Identifiers: Orphanet 280576, MedGen C3151446, MONDO:0013523, OMIM 614008.

Allele frequency attached by ClinVar (database versions not stated): gnomAD exomes below 0.00001.
gnomAD v4.1: 1 of 1,613,768 alleles (0.000062%); highest among the groups gnomAD compares: Non-Finnish European, 0.000085%; no homozygotes.

Submission:

OMIM
Classification: Pathogenic for NESTOR-GUILLERMO PROGERIA SYNDROME. Last evaluated: 2011-05-13. Review status: flagged submission. Collection method: literature only. Allele origin: germline.
ClinVar note: Notes: Flagging candidate with reason of insufficient supporting evidence. This gene has been classified as having a limited gene-disease relationship by a ClinGen Expert Panel.
ClinVar note: Reason: P/LP classification for a variant in a gene with insufficient evidence for a gene-disease relationship

Literature cited by the submitters: PubMed 21549337.

NM_003860.4(BANF1):c.34G>A (p.Ala12Thr)

Gene: BANF1 (barrier to autointegration nuclear assembly factor 1; plus strand). Cytogenetic location: 11q13.1.
Variant type: single nucleotide variant.
Coding change: c.34G>A on transcript NM_003860.4 (MANE Select); coding-DNA position 34, G replaced by A.
Protein change: p.Ala12Thr; replaces alanine 12 with threonine.
Molecular consequence: missense variant.
Genome position (GRCh38, 1-based): chr11:66,003,284, G>A. VCF-style: chr11-66003284-G-A. GRCh37 (hg19) VCF-style: chr11-65770755-G-A.
Other names: c.34G>A, p.Ala12Thr (NM_001143985.2); short protein forms A12T.
Identifiers: ClinVar variation 30390 (VCV000030390.2), dbSNP rs387906871, ClinGen allele CA129181.